The following is an entry in ClinVar:

ClinVar aggregate classification (germline): Uncertain significance (1 of 4 stars; one submission).

Conditions:
Congenital myasthenic syndrome 8. Also called: Myasthenic syndrome, congenital, 8, with pre- and postsynaptic defects; MYASTHENIC SYNDROME, CONGENITAL, DUE TO AGRIN DEFICIENCY. Identifiers: Orphanet 590, MedGen C3808739, MONDO:0014052, OMIM 615120.

Submission:

Labcorp Genetics (formerly Invitae), Labcorp
Classification: Uncertain significance for Myasthenic syndrome, congenital, 8. Last evaluated: 2019-04-01. Review status: criteria provided, single submitter. Criteria: Invitae Variant Classification Sherloc (09022015). Collection method: clinical testing. Allele origin: germline.
Comment: This variant results in a copy number gain of the genomic region encompassing exons 20-36 of the AGRN gene. The 5' boundary is likely confined to intron 19. The 3' end of this event is unknown as it extends beyond the assayed region for this gene and therefore may encompass additional genes. As the precise location of this event is unknown, it may be in tandem or it may be located elsewhere in the genome. This variant has not been reported in the literature in individuals with AGRN-related conditions. In summary, the available evidence is currently insufficient to determine the role of this variant in disease. Therefore, it has been classified as a Variant of Uncertain Significance.

NC_000001.11:g.(?_1047317)_(1054991_?)dup

Gene: AGRN (agrin; plus strand). Cytogenetic location: 1p36.33.
Variant type: Duplication.
Identifiers: ClinVar variation 832245 (VCV000832245.1).